The following is an entry in ClinVar:

NM_003924.4(PHOX2B):c.738_767dup (p.Ala260_Gly261insAlaAlaAlaAlaAlaAlaAlaAlaAlaAla)

Genes: PHOX2B (paired like homeobox 2B; minus strand), LOC110011216 (paired like homeobox 2b polyalanine repeat instability region; plus strand). Cytogenetic location: 4p13.
Variant type: Duplication.
Coding change: c.738_767dup on transcript NM_003924.4 (MANE Select); coding-DNA positions 738 to 767, 30 bases duplicated (GGCCGCGGCAGCGGCGGCGGCGGCAGCGGC).
Protein change: p.Ala260_Gly261insAlaAlaAlaAlaAlaAlaAlaAlaAlaAla.
Molecular consequence: inframe insertion. On other transcripts: inframe indel (1).
Genome position (GRCh38, 1-based): chr4:41,745,985-41,746,014, GCCGCTGCCGCCGCCGCCGCTGCCGCGGCC duplicated on the plus strand (GGCCGCGGCAGCGGCGGCGGCGGCAGCGGC on the coding strand, the reverse complement: PHOX2B is on the minus strand); duplicating any 30 consecutive bases within chr4:41,745,985-41,746,019 gives the same sequence; the c. name uses the placement nearest the transcript's 3' end. VCF-style (leftmost placement, unchanged base first): chr4-41745984-T-TGCCGCTGCCGCCGCCGCCGCTGCCGCGGCC. GRCh37 (hg19) VCF-style: chr4-41748001-T-TGCCGCTGCCGCCGCCGCCGCTGCCGCGGCC.
Other names: c.738_767dupGGCCGCGGCAGCGGCGGCGGCGGCAGCGGC (NM_003924.3).
Identifiers: ClinVar variation 1758614 (VCV001758614.2), dbSNP rs2552096804, ClinGen allele CA2580071000.

ClinVar aggregate classification (germline): Pathogenic (1 of 4 stars; one submission).

Conditions:
Hereditary cancer-predisposing syndrome. Also called: Neoplastic Syndromes, Hereditary; Tumor predisposition; Hereditary Cancer Syndrome; Hereditary neoplastic syndrome. Identifiers: Orphanet 140162, MedGen C0027672, MeSH D009386, MONDO:0015356.

Submission:

Ambry Genetics
Classification: Pathogenic for Hereditary cancer-predisposing syndrome. Last evaluated: 2021-10-26. Review status: criteria provided, single submitter. Criteria: Ambry Variant Classification Scheme 2023. Collection method: clinical testing. Allele origin: germline.
Comment: The p.Ala241[30] pathogenic mutation, located in coding exon 3 of the PHOX2B gene, results from an expansion of the polyalanine repeat region from 20 to 30 repeats. This expansion mutation is associated with congenital central hypoventilation syndrome (Sasaki A et al. Hum. Genet., 2003 Dec;114(1):22-6). Based on the supporting evidence, this alteration is interpreted as a disease-causing mutation.

Literature cited by the submitters: PubMed 14566559.